The following is an entry in ClinVar:

ClinVar aggregate classification (germline): Uncertain significance. Review status: criteria provided, multiple submitters, no conflicts (2 of 4 stars). 2 submissions from 2 submitters: Uncertain significance (2). Last evaluated 2021-12-23.

Allele frequency attached by ClinVar (database versions not stated): gnomAD exomes below 0.00001.
gnomAD v4.1: 1 of 1,613,904 alleles (0.000062%); highest among the groups gnomAD compares: Admixed American, 0.0017%; no homozygotes.

Submissions (2):

Labcorp Genetics (formerly Invitae), Labcorp
Classification: Uncertain significance. Last evaluated: 2021-12-23. Review status: criteria provided, single submitter. Criteria: Invitae Variant Classification Sherloc (09022015). Collection method: clinical testing. Allele origin: germline.
Comment: This sequence change replaces proline, which is neutral and non-polar, with alanine, which is neutral and non-polar, at codon 609 of the COL4A4 protein (p.Pro609Ala). This variant is present in population databases (no rsID available, gnomAD 0.003%). This variant has not been reported in the literature in individuals affected with COL4A4-related conditions. ClinVar contains an entry for this variant (Variation ID: 667225). Advanced modeling of protein sequence and biophysical properties (such as structural, functional, and spatial information, amino acid conservation, physicochemical variation, residue mobility, and thermodynamic stability) performed at Invitae indicates that this missense variant is not expected to disrupt COL4A4 protein function. In summary, the available evidence is currently insufficient to determine the role of this variant in disease. Therefore, it has been classified as a Variant of Uncertain Significance.

Laboratory for Molecular Medicine, Mass General Brigham Personalized Medicine
Classification: Uncertain significance. Last evaluated: 2018-08-24. Review status: criteria provided, single submitter. Criteria: LMM Criteria. Collection method: clinical testing. Allele origin: germline. Observed: 1 variant allele.
Comment: The p.Pro609Ala variant in COL4A4 has not been previously reported in individual s with Alport syndrome, but has been identified in 0.002% (1/33560) of Latino ch romosomes by the Genome Aggregation Database (gnomAD). Computational prediction tools and conservation analysis do not provide strong support for or against an impact to the protein; however, two mammals (R hesus and crab-eating monkey) have an alanine (Ala) at this position, suggesting that this change may be tolerated. In summary, the clinical significance of the p.Pro609Ala variant is uncertain. ACMG/AMP Criteria applied: PM2.

NM_000092.5(COL4A4):c.1825C>G (p.Pro609Ala)

Gene: COL4A4 (collagen type IV alpha 4 chain; minus strand). Cytogenetic location: 2q36.3.
Variant type: single nucleotide variant.
Coding change: c.1825C>G on transcript NM_000092.5 (MANE Select); coding-DNA position 1825, C replaced by G.
Protein change: p.Pro609Ala; replaces proline 609 with alanine.
Molecular consequence: missense variant.
Genome position (GRCh38, 1-based): chr2:227,078,056, G>C on the plus strand (C>G on the coding strand, the complement: COL4A4 is on the minus strand). VCF-style: chr2-227078056-G-C. GRCh37 (hg19) VCF-style: chr2-227942772-G-C.
Other names: short protein forms P609A.
Identifiers: ClinVar variation 667225 (VCV000667225.8), dbSNP rs1263397268, ClinGen allele CA350845543.